The following is an entry in ClinVar:

ClinVar aggregate classification (germline): Conflicting classifications of pathogenicity. Review status: criteria provided, conflicting classifications (1 of 4 stars). 2 submissions from 2 submitters: Uncertain significance (1); Likely benign (1). Last evaluated 2025-02-24.

Conditions:
Familial sleep-related hypermotor epilepsy. Also called: Autosomal Dominant Sleep-Related Hypermotor (Hyperkinetic) Epilepsy. Identifiers: Orphanet 98784, MedGen C3696898, MONDO:0000030.

Allele frequency attached by ClinVar (database versions not stated): TOPMed 0.00002; gnomAD 0.00004 and 0.00003; gnomAD exomes 0.00004; ExAC 0.00007.

Submissions (2):

Labcorp Genetics (formerly Invitae), Labcorp
Classification: Likely benign. Last evaluated: 2025-02-24. Review status: criteria provided, single submitter. Criteria: Invitae Variant Classification Sherloc (09022015). Collection method: clinical testing. Allele origin: germline.

GeneDx
Classification: Uncertain significance. Last evaluated: 2018-03-07. Review status: criteria provided, single submitter. Criteria: GeneDx Variant Classification (06012015). Collection method: clinical testing. Allele origin: germline. Affected: yes.
Comment: A variant of uncertain significance has been identified in the CHRNA4 gene. The P231L variant has not been published as a pathogenic variant, nor has it been reported as a benign variant to our knowledge. The P231L variant is observed in 8/66194 (0.12%) alleles from individuals of European background (Lek et al., 2016; 1000 Genomes Consortium et al., 2015; Exome Variant Server). The P231L variant is a semi-conservative amino acid substitution, which may impact secondary protein structure as these residues differ in some properties. In silico analysis predicts this variant is probably damaging to the protein structure/function. However, this substitution occurs at a position that is not conserved. Additionally, this amino acid substitution is not predicted to occur within the transmembrane region of the protein, where the vast majority of pathogenic missense variants have been identified in association with epilepsy (Steinlein et al., 2010). Therefore, based on the currently available information, it is unclear whether this variant is a pathogenic variant or a rare benign variant.

NM_000744.7(CHRNA4):c.692C>T (p.Pro231Leu)

Gene: CHRNA4 (cholinergic receptor nicotinic alpha 4 subunit; minus strand). Cytogenetic location: 20q13.33.
Variant type: single nucleotide variant.
Coding change: c.692C>T on transcript NM_000744.7 (MANE Select); coding-DNA position 692, C replaced by T.
Protein change: p.Pro231Leu; replaces proline 231 with leucine.
Molecular consequence: missense variant. On other transcripts: non-coding transcript variant (1).
Genome position (GRCh38, 1-based): chr20:63,350,719, G>A on the plus strand (C>T on the coding strand, the complement: CHRNA4 is on the minus strand). VCF-style: chr20-63350719-G-A. GRCh37 (hg19) VCF-style: chr20-61982071-G-A.
Other names: c.164C>T, p.Pro55Leu (NM_001256573.2); short protein forms P231L, P55L.
Identifiers: ClinVar variation 430432 (VCV000430432.10), dbSNP rs763248360, ClinGen allele CA9957752.